The following is an entry in ClinVar:

NM_014795.4(ZEB2):c.3365C>G (p.Ser1122Cys)

Gene: ZEB2 (zinc finger E-box binding homeobox 2; minus strand). Cytogenetic location: 2q22.3.
Variant type: single nucleotide variant.
Coding change: c.3365C>G on transcript NM_014795.4 (MANE Select); coding-DNA position 3365, C replaced by G.
Protein change: p.Ser1122Cys; replaces serine 1122 with cysteine.
Molecular consequence: missense variant.
Genome position (GRCh38, 1-based): chr2:144,389,731, G>C on the plus strand (C>G on the coding strand, the complement: ZEB2 is on the minus strand). VCF-style: chr2-144389731-G-C. GRCh37 (hg19) VCF-style: chr2-145147298-G-C.
Other names: c.3293C>G, p.Ser1098Cys (NM_001171653.2); short protein forms S1098C, S1122C.
Identifiers: ClinVar variation 2412983 (VCV002412983.5), dbSNP rs2549101722, ClinGen allele CA348699483.

ClinVar aggregate classification (germline): Uncertain significance. Review status: criteria provided, multiple submitters, no conflicts (2 of 4 stars). 2 submissions from 2 submitters: Uncertain significance (2). Last evaluated 2025-10-11.

Conditions:
Mowat-Wilson syndrome (MOWS). Also called: Classic Mowat-Wilson Syndrome. Identifiers: Orphanet 2152, MedGen C1856113, MONDO:0009341, OMIM 235730.

Allele frequency attached by ClinVar (database versions not stated): gnomAD exomes below 0.00001.
gnomAD v4.1: 1 of 1,612,458 alleles (0.000062%); highest among the groups gnomAD compares: Non-Finnish European, 0.000085%; no homozygotes.

Submissions (2):

Labcorp Genetics (formerly Invitae), Labcorp
Classification: Uncertain significance for Mowat-Wilson syndrome. Last evaluated: 2025-10-11. Review status: criteria provided, single submitter. Criteria: Invitae Variant Classification Sherloc (09022015). Collection method: clinical testing. Allele origin: germline.
Comment: This sequence change replaces serine, which is neutral and polar, with cysteine, which is neutral and slightly polar, at codon 1122 of the ZEB2 protein (p.Ser1122Cys). This variant is not present in population databases (gnomAD no frequency). This variant has not been reported in the literature in individuals affected with ZEB2-related conditions. ClinVar contains an entry for this variant (Variation ID: 2412983). An algorithm developed to predict the effect of missense changes on protein structure and function (PolyPhen-2) suggests that this variant is likely to be disruptive. In summary, the available evidence is currently insufficient to determine the role of this variant in disease. Therefore, it has been classified as a Variant of Uncertain Significance.

GeneDx
Classification: Uncertain significance. Last evaluated: 2023-02-06. Review status: criteria provided, single submitter. Criteria: GeneDx Variant Classification Process June 2021. Collection method: clinical testing. Allele origin: germline.
Comment: Not observed at significant frequency in large population cohorts (gnomAD); In silico analysis supports that this missense variant does not alter protein structure/function; Has not been previously published as pathogenic or benign to our knowledge